The following is an entry in ClinVar:

NM_206933.4(USH2A):c.2746A>G (p.Ile916Val)

Genes: USH2A (usherin; minus strand), LOC122152296 (Sharpr-MPRA regulatory region 8762; plus strand). Cytogenetic location: 1q41.
Variant type: single nucleotide variant.
Coding change: c.2746A>G on transcript NM_206933.4 (MANE Select); coding-DNA position 2746, A replaced by G.
Protein change: p.Ile916Val; replaces isoleucine 916 with valine.
Molecular consequence: missense variant.
Genome position (GRCh38, 1-based): chr1:216,246,648, T>C on the plus strand (A>G on the coding strand, the complement: USH2A is on the minus strand). VCF-style: chr1-216246648-T-C. GRCh37 (hg19) VCF-style: chr1-216419990-T-C.
Other names: c.2746A>G, p.Ile916Val (NM_007123.6); short protein forms I916V.
Identifiers: ClinVar variation 1396332 (VCV001396332.3), dbSNP rs373501682, ClinGen allele CA1396178.

ClinVar aggregate classification (germline): Uncertain significance (1 of 4 stars; one submission).

Allele frequency attached by ClinVar (database versions not stated): gnomAD exomes below 0.00001; ExAC 0.00001; gnomAD 0.00001; TOPMed 0.00002; ESP Exome Variant Server 0.00008.
gnomAD v4.1: 9 of 1,613,990 alleles (0.00056%); highest among the groups gnomAD compares: Non-Finnish European, 0.00076%; no homozygotes.

Submission:

Labcorp Genetics (formerly Invitae), Labcorp
Classification: Uncertain significance. Last evaluated: 2022-10-17. Review status: criteria provided, single submitter. Criteria: Invitae Variant Classification Sherloc (09022015). Collection method: clinical testing. Allele origin: germline.
Comment: This sequence change replaces isoleucine, which is neutral and non-polar, with valine, which is neutral and non-polar, at codon 916 of the USH2A protein (p.Ile916Val). This variant is present in population databases (rs373501682, gnomAD 0.0009%). This variant has not been reported in the literature in individuals affected with USH2A-related conditions. ClinVar contains an entry for this variant (Variation ID: 1396332). Advanced modeling of protein sequence and biophysical properties (such as structural, functional, and spatial information, amino acid conservation, physicochemical variation, residue mobility, and thermodynamic stability) performed at Invitae indicates that this missense variant is not expected to disrupt USH2A protein function. In summary, the available evidence is currently insufficient to determine the role of this variant in disease. Therefore, it has been classified as a Variant of Uncertain Significance.